The following is an entry in ClinVar:

NM_012123.4(MTO1):c.1949C>T (p.Thr650Ile)

Gene: MTO1 (mitochondrial tRNA translation optimization 1; plus strand). Cytogenetic location: 6q13.
Variant type: single nucleotide variant.
Coding change: c.1949C>T on transcript NM_012123.4 (MANE Select); coding-DNA position 1949, C replaced by T.
Protein change: p.Thr650Ile; replaces threonine 650 with isoleucine.
Molecular consequence: missense variant.
Genome position (GRCh38, 1-based): chr6:73,500,605, C>T. VCF-style: chr6-73500605-C-T. GRCh37 (hg19) VCF-style: chr6-74210328-C-T.
Other names: c.2069C>T, p.Thr690Ile (NM_001123226.2); c.2024C>T, p.Thr675Ile (NM_133645.3); short protein forms T675I, T650I, T690I.
Identifiers: ClinVar variation 2136436 (VCV002136436.4), dbSNP rs1031037105, ClinGen allele CA140932659.

ClinVar aggregate classification (germline): Uncertain significance (1 of 4 stars; one submission).

Conditions:
Mitochondrial hypertrophic cardiomyopathy with lactic acidosis due to MTO1 deficiency. Also called: CARDIOMYOPATHY, INFANTILE HYPERTROPHIC MITOCHONDRIAL, AND LACTIC ACIDOSIS; Combined oxidative phosphorylation deficiency 10. Identifiers: Orphanet 314637, MedGen C4749921, MONDO:0013865, OMIM 614702.

Submission:

Labcorp Genetics (formerly Invitae), Labcorp
Classification: Uncertain significance for Mitochondrial hypertrophic cardiomyopathy with lactic acidosis due to MTO1 deficiency. Last evaluated: 2025-11-12. Review status: criteria provided, single submitter. Criteria: Invitae Variant Classification Sherloc (09022015). Collection method: clinical testing. Allele origin: germline.
Comment: This sequence change replaces threonine, which is neutral and polar, with isoleucine, which is neutral and non-polar, at codon 650 of the MTO1 protein (p.Thr650Ile). This variant is not present in population databases (gnomAD no frequency). This missense change has been observed in individual(s) with MTO1-related conditions (PMID: 29331171). ClinVar contains an entry for this variant (Variation ID: 2136436). Invitae Evidence Modeling of protein sequence and biophysical properties (such as structural, functional, and spatial information, amino acid conservation, physicochemical variation, residue mobility, and thermodynamic stability) has been performed for this missense variant. However, the output from this modeling did not meet the statistical confidence thresholds required to predict the impact of this variant on MTO1 protein function. In summary, the available evidence is currently insufficient to determine the role of this variant in disease. Therefore, it has been classified as a Variant of Uncertain Significance.

Literature cited by the submitters: PubMed 29331171.